The following is an entry in ClinVar:

NM_144643.4(SCLT1):c.235-1110C>T

Gene: SCLT1 (sodium channel and clathrin linker 1; minus strand). Cytogenetic location: 4q28.2.
Variant type: single nucleotide variant.
Coding change: c.235-1110C>T on transcript NM_144643.4 (MANE Select); 1110 bases into the intron before coding-DNA position 235, C replaced by T.
Molecular consequence: intron variant. On other transcripts: 3 prime UTR variant (1).
Genome position (GRCh38, 1-based): chr4:129,040,206, G>A on the plus strand (C>T on the coding strand, the complement: SCLT1 is on the minus strand). VCF-style: chr4-129040206-G-A. GRCh37 (hg19) VCF-style: chr4-129961361-G-A.
Other names: c.*1C>T (NM_001300897.2); c.235-1110C>T (NM_001410807.1, NM_001300898.2).
Identifiers: ClinVar variation 4978265 (VCV004978265.1).

ClinVar aggregate classification (germline): Likely benign (1 of 4 stars; one submission).

Conditions:
SCLT1-related disorder. Also called: SCLT1-related condition.

gnomAD v4.1: 23 of 702,486 alleles (0.0033%); highest among the groups gnomAD compares: Middle Eastern, 0.11%; no homozygotes.

Submission:

PreventionGenetics, part of Exact Sciences
Classification: Likely benign for SCLT1-related condition. Last evaluated: 2025-12-03. Review status: criteria provided, single submitter. Criteria: ACMG Guidelines, 2015. Collection method: clinical testing. Allele origin: germline.
Comment: This variant is classified as likely benign based on ACMG/AMP sequence variant interpretation guidelines (Richards et al. 2015 PMID: 25741868, with internal and published modifications).